The following is an entry in ClinVar:

NM_000455.5(STK11):c.388G>T (p.Glu130Ter)

Gene: STK11 (serine/threonine kinase 11; plus strand). Cytogenetic location: 19p13.3.
Variant type: single nucleotide variant.
Coding change: c.388G>T on transcript NM_000455.5 (MANE Select); coding-DNA position 388, G replaced by T.
Protein change: p.Glu130Ter; replaces glutamic acid 130 with a stop codon.
Molecular consequence: nonsense.
Genome position (GRCh38, 1-based): chr19:1,219,337, G>T. VCF-style: chr19-1219337-G-T. GRCh37 (hg19) VCF-style: chr19-1219336-G-T.
Other names: short protein forms E130*.
Identifiers: ClinVar variation 824343 (VCV000824343.5), dbSNP rs1599925303, ClinGen allele CA402948128.

ClinVar aggregate classification (germline): Pathogenic. Review status: criteria provided, single submitter (1 of 4 stars). 2 submissions from 2 submitters: Pathogenic (1). 1 of the submissions does not count toward it. Last evaluated 2017-12-21.

Conditions:
Hereditary cancer-predisposing syndrome. Also called: Neoplastic Syndromes, Hereditary; Tumor predisposition; Hereditary neoplastic syndrome; Hereditary Cancer Syndrome. Identifiers: Orphanet 140162, MedGen C0027672, MeSH D009386, MONDO:0015356.
STK11-related disorder. Also called: STK11-related condition.

Submissions (2):

Ambry Genetics
Classification: Pathogenic for Hereditary cancer-predisposing syndrome. Last evaluated: 2017-12-21. Review status: criteria provided, single submitter. Criteria: Ambry Variant Classification Scheme 2023. Collection method: clinical testing. Allele origin: germline.
Comment: The p.E130* pathogenic mutation (also known as c.388G>T), located in coding exon 3 of the STK11 gene, results from a G to T substitution at nucleotide position 388. This changes the amino acid from a glutamic acid to a stop codon within coding exon 3. This alteration is expected to result in loss of function by premature protein truncation or nonsense-mediated mRNA decay. As such, this alteration is interpreted as a disease-causing mutation.

PreventionGenetics, part of Exact Sciences
Classification: Likely pathogenic for STK11-related condition. Last evaluated: 2024-06-05. Review status: no assertion criteria provided. Collection method: clinical testing. Allele origin: germline. Not counted in ClinVar's aggregate classification.
Comment: The STK11 c.388G>T variant is predicted to result in premature protein termination (p.Glu130*). To our knowledge, this variant has not been evaluated in the literature or found in a large population database, indicating this variant is rare. Nonsense variants in STK11 are expected to be pathogenic. This variant is interpreted as likely pathogenic.

Literature cited by the submitters: PubMed 18846624 (cited by Ambry Genetics).